The following is an entry in ClinVar:

NM_001005242.3(PKP2):c.275T>A (p.Leu92Ter)

Gene: PKP2 (plakophilin 2; minus strand). Cytogenetic location: 12p11.21.
Variant type: single nucleotide variant.
Coding change: c.275T>A on transcript NM_001005242.3 (MANE Select); coding-DNA position 275, T replaced by A.
Protein change: p.Leu92Ter; replaces leucine 92 with a stop codon.
Molecular consequence: nonsense.
Genome position (GRCh38, 1-based): chr12:32,878,981, A>T on the plus strand (T>A on the coding strand, the complement: PKP2 is on the minus strand). VCF-style: chr12-32878981-A-T. GRCh37 (hg19) VCF-style: chr12-33031915-A-T.
Other names: p.L92*:TTG>TAG; c.275T>A, p.Leu92Ter (NM_004572.4); short protein forms L92*.
Identifiers: ClinVar variation 202026 (VCV000202026.16), dbSNP rs763639737, ClinGen allele CA012238.

ClinVar aggregate classification (germline): Pathogenic. Review status: criteria provided, multiple submitters, no conflicts (2 of 4 stars). 6 submissions from 6 submitters: Pathogenic (6). Last evaluated 2025-08-27.

Conditions:
Cardiovascular phenotype. Identifiers: MedGen CN230736.
Arrhythmogenic right ventricular cardiomyopathy (ARVD). Also called: Arrhythmogenic cardiomyopathy; Arrhythmogenic Right Ventricular Cardiomyopathy (ARVC); Cardiomyopathy, ARVC; Arrhythmogenic right ventricular dysplasia. Identifiers: Orphanet 247, MedGen C0349788, MeSH D019571, MONDO:0016587. Disease mechanism: loss of function. Inheritance: Various modes of inheritance.
Cardiomyopathy (CMYO). Also called: Cardiomyopathies. Identifiers: Orphanet 167848, MedGen C0878544, MONDO:0004994, HP:0001638. Inheritance: Various modes of inheritance.
Arrhythmogenic right ventricular dysplasia 9 (ARVD9). Also called: Arrhythmogenic Right Ventricular Dysplasia/Cardiomyopathy 9; ARRHYTHMOGENIC RIGHT VENTRICULAR DYSPLASIA, FAMILIAL, 9. Identifiers: MedGen C1836906, MONDO:0012180, OMIM 609040.

gnomAD v4.1: 12 of 1,609,096 alleles (0.00075%); highest among the groups gnomAD compares: Non-Finnish European, 0.001%; no homozygotes.

Submissions (6):

Color Diagnostics, LLC DBA Color Health
Classification: Pathogenic for Cardiomyopathy. Last evaluated: 2025-08-27. Review status: criteria provided, single submitter. Criteria: ACMG Guidelines, 2015. Collection method: clinical testing. Allele origin: germline.
Comment: This variant changes 1 nucleotide in exon 2 of the PKP2 gene, creating a premature translation stop signal. This variant is expected to result in an absent or non-functional protein product. This variant has been reported in individuals affected with arrhythmogenic right ventricular cardiomyopathy (PMID: 20400443, 24832006, 27532257). This variant has been identified in 2/251424 chromosomes in the general population by the Genome Aggregation Database (gnomAD). Loss of PKP2 function is a known mechanism of disease. Based on the available evidence, this variant is classified as Pathogenic.

Labcorp Genetics (formerly Invitae), Labcorp
Classification: Pathogenic for Arrhythmogenic right ventricular dysplasia 9. Last evaluated: 2025-03-03. Review status: criteria provided, single submitter. Criteria: Invitae Variant Classification Sherloc (09022015). Collection method: clinical testing. Allele origin: germline.
Comment: This sequence change creates a premature translational stop signal (p.Leu92*) in the PKP2 gene. It is expected to result in an absent or disrupted protein product. Loss-of-function variants in PKP2 are known to be pathogenic (PMID: 15489853, 17041889, 23911551). This variant is present in population databases (no rsID available, gnomAD 0.002%). This premature translational stop signal has been observed in individuals with arrhythmogenic right ventricular cardiomyopathy (PMID: 15489853, 20400443, 24832006). ClinVar contains an entry for this variant (Variation ID: 202026). For these reasons, this variant has been classified as Pathogenic.

Ambry Genetics
Classification: Pathogenic for Cardiovascular phenotype. Last evaluated: 2025-02-25. Review status: criteria provided, single submitter. Criteria: Ambry Variant Classification Scheme 2023. Collection method: clinical testing. Allele origin: germline.
Comment: The p.L92* pathogenic mutation (also known as c.275T>A), located in coding exon 2 of the PKP2 gene, results from a T to A substitution at nucleotide position 275. This changes the amino acid from a leucine to a stop codon within coding exon 2. This variant was reported in individual(s) with features consistent with arrhythmogenic right ventricular cardiomyopathy (Alcalde M et al. Int J Legal Med, 2015 Jan;129:1-10; Fressart V et al. Europace, 2010 Jun;12:861-8). This variant is considered to be rare based on population cohorts in the Genome Aggregation Database (gnomAD). This alteration is expected to result in loss of function by premature protein truncation or nonsense-mediated mRNA decay. As such, this alteration is interpreted as a disease-causing mutation.

GeneDx
Classification: Pathogenic. Last evaluated: 2019-08-02. Review status: criteria provided, single submitter. Criteria: GeneDx Variant Classification Process June 2021. Collection method: clinical testing. Allele origin: germline. Affected: yes.
Comment: Reported in ClinVar as pathogenic but additional evidence is not available (ClinVar Variant ID# 202026; Landrum et al., 2016); Not observed at a significant frequency in large population cohorts (Lek et al., 2016); Nonsense variant predicted to result in protein truncation or nonsense mediated decay in a gene for which loss-of-function is a known mechanism of disease; This variant is associated with the following publications: (PMID: 20400443, 31402444, 25525159, 27532257, 24967631, 24832006, 31156706, 30790397, 31447099)

Laboratory for Molecular Medicine, Mass General Brigham Personalized Medicine
Classification: Pathogenic for Arrhythmogenic right ventricular cardiomyopathy. Last evaluated: 2019-03-18. Review status: criteria provided, single submitter. Criteria: ACMG Guidelines, 2015. Collection method: clinical testing. Allele origin: germline.
Comment: The p.Leu92X variant in PKP2 has been previously identified in 6 individuals with ARVC (Alcade 2015, Fressart 2010, Walsh 2017). This variant has been identified in 0.002% (2/113714) European chromosomes by the Genome Aggregation Database (gnomAD) and in ClinVar (Variation ID 202026). This nonsense variant leads to a premature termination codon at position 92 which is predicted to lead to a truncated or absent protein. Heterozygous loss of PKP2 function is an established disease mechanism in individuals with ARVC. In summary, this variant meets criteria to be classified as pathogenic for ARVC in an autosomal dominant manner. ACMG/AMP Criteria applied: PVS1, PS4_Moderate, PM2.

Human Genome Sequencing Center Clinical Lab, Baylor College of Medicine
Classification: Pathogenic for Arrhythmogenic right ventricular dysplasia 9. Last evaluated: 2017-05-11. Review status: criteria provided, single submitter. Criteria: ACMG Guidelines, 2015. Collection method: clinical testing. Allele origin: germline.
Comment: The c.275T>A (p.Leu92*) variant in the PKP2 gene has been detected in two patients with arrhythmogenic right ventricular cardiomyopathy (ARVC) from a cohort of 135 patients. [PMID 20400443 ]. This c.275T>A change creates a premature stop codon at amino acid position 92 of the PKP2 protein. This variant is thus predicted to result in a loss of function of the protein. This variant has not been observed in the ExAC population database. This c.275T>A (p.Leu92*) variant thus classified as pathogenic.

Literature cited by the submitters: PubMed 20400443 (cited by 4 submitters); PubMed 24832006 (cited by 4 submitters); PubMed 27532257 (cited by Color Diagnostics, LLC DBA Color Health and Laboratory for Molecular Medicine, Mass General Brigham Personalized Medicine); PubMed 15489853 (cited by Labcorp Genetics (formerly Invitae), Labcorp); PubMed 17041889 (cited by Labcorp Genetics (formerly Invitae), Labcorp); PubMed 23911551 (cited by Labcorp Genetics (formerly Invitae), Labcorp).